The following is an entry in ClinVar:

NM_014249.4(NR2E3):c.666G>C (p.Glu222Asp)

Gene: NR2E3 (nuclear receptor subfamily 2 group E member 3; plus strand). Cytogenetic location: 15q23.
Variant type: single nucleotide variant.
Coding change: c.666G>C on transcript NM_014249.4 (MANE Select); coding-DNA position 666, G replaced by C.
Protein change: p.Glu222Asp; replaces glutamic acid 222 with aspartic acid.
Molecular consequence: missense variant.
Genome position (GRCh38, 1-based): chr15:71,812,430, G>C. VCF-style: chr15-71812430-G-C. GRCh37 (hg19) VCF-style: chr15-72104770-G-C.
Other names: c.666G>C, p.Glu222Asp (NM_016346.4); short protein forms E222D.
Identifiers: ClinVar variation 317018 (VCV000317018.16), dbSNP rs759765652, ClinGen allele CA7640367.

ClinVar aggregate classification (germline): Uncertain significance. Review status: criteria provided, multiple submitters, no conflicts (2 of 4 stars). 7 submissions from 6 submitters: Uncertain significance (5). 2 of the submissions do not count toward it. Last evaluated 2025-03-25.

Conditions:
Inborn genetic diseases. Identifiers: MedGen C0950123, MeSH D030342.
Enhanced S-cone syndrome (ESCS). Identifiers: Orphanet 53540, MedGen C1849394, MONDO:0100288, MONDO:0009989.
Retinitis pigmentosa (RP). Identifiers: Orphanet 791, MedGen C0035334, MeSH D012174, MONDO:0019200, OMIM 268000. Inheritance: Autosomal dominant, autosomal recessive and X linked inheritance.
Retinitis pigmentosa 37 (RP37). Identifiers: Orphanet 791, MedGen C1970163, MONDO:0012625, OMIM 611131.
Goldmann-Favre syndrome. Identifiers: Orphanet 53540, MedGen C0339541, MONDO:0100289.

Allele frequency attached by ClinVar (database versions not stated): gnomAD exomes 0.00002 and 0.00007; gnomAD 0.00003; ExAC 0.00005; TOPMed 0.00005.

Submissions (7):

Ambry Genetics
Classification: Uncertain significance for Inborn genetic diseases. Last evaluated: 2025-03-25. Review status: criteria provided, single submitter. Criteria: Ambry Variant Classification Scheme 2023. Collection method: clinical testing. Allele origin: germline.

Labcorp Genetics (formerly Invitae), Labcorp
Classification: Uncertain significance. Last evaluated: 2024-06-16. Review status: criteria provided, single submitter. Criteria: Invitae Variant Classification Sherloc (09022015). Collection method: clinical testing. Allele origin: germline.
Comment: This sequence change replaces glutamic acid, which is acidic and polar, with aspartic acid, which is acidic and polar, at codon 222 of the NR2E3 protein (p.Glu222Asp). This variant is present in population databases (rs759765652, gnomAD 0.2%). This variant has not been reported in the literature in individuals affected with NR2E3-related conditions. ClinVar contains an entry for this variant (Variation ID: 317018). Advanced modeling of protein sequence and biophysical properties (such as structural, functional, and spatial information, amino acid conservation, physicochemical variation, residue mobility, and thermodynamic stability) performed at Invitae indicates that this missense variant is not expected to disrupt NR2E3 protein function with a negative predictive value of 80%. In summary, the available evidence is currently insufficient to determine the role of this variant in disease. Therefore, it has been classified as a Variant of Uncertain Significance.

Blueprint Genetics
Classification: Uncertain significance. Last evaluated: 2023-07-14. Review status: criteria provided, single submitter. Criteria: ACMG Guidelines, 2015. Collection method: clinical testing. Allele origin: germline.

Illumina Laboratory Services, Illumina
Classification: Uncertain significance for ENHANCED S-CONE SYNDROME 1. Last evaluated: 2018-01-12. Review status: criteria provided, single submitter. Criteria: ICSL Variant Classification Criteria 13 December 2019. Collection method: clinical testing. Allele origin: germline.

Illumina Laboratory Services, Illumina
Classification: Uncertain significance for Retinitis pigmentosa. Last evaluated: 2018-01-12. Review status: criteria provided, single submitter. Criteria: ICSL Variant Classification Criteria 13 December 2019. Collection method: clinical testing. Allele origin: germline.

Natera, Inc.
Classification: Uncertain significance for Goldmann-Favre syndrome. Last evaluated: 2020-04-17. Review status: no assertion criteria provided. Collection method: clinical testing. Allele origin: germline. Not counted in ClinVar's aggregate classification.

Counsyl
Classification: Uncertain significance for Retinitis pigmentosa 37; ENHANCED S-CONE SYNDROME 1. Last evaluated: 2017-06-21. Review status: no assertion criteria provided. Collection method: clinical testing. Allele origin: unknown. Not counted in ClinVar's aggregate classification.